The following is an entry in ClinVar:

ClinVar aggregate classification (germline): Uncertain significance (1 of 4 stars; one submission).

gnomAD v4.1: 1 of 1,614,128 alleles (0.000062%); highest among the groups gnomAD compares: South Asian, 0.0011%; no homozygotes.

Submission:

CeGaT Center for Human Genetics Tuebingen
Classification: Uncertain significance. Last evaluated: 2025-02-01. Review status: criteria provided, single submitter. Criteria: CeGaT Center For Human Genetics Tuebingen Variant Classification Criteria Version 2. Collection method: clinical testing. Allele origin: germline. Affected: yes. Observed: 1 variant allele.
Comment: ATPAF2: PM2

NM_145691.4(ATPAF2):c.209A>G (p.Lys70Arg)

Gene: ATPAF2 (ATP synthase mitochondrial F1 complex assembly factor 2; minus strand). Cytogenetic location: 17p11.2.
Variant type: single nucleotide variant.
Coding change: c.209A>G on transcript NM_145691.4 (MANE Select); coding-DNA position 209, A replaced by G.
Protein change: p.Lys70Arg; replaces lysine 70 with arginine.
Molecular consequence: missense variant.
Genome position (GRCh38, 1-based): chr17:18,028,347, T>C on the plus strand (A>G on the coding strand, the complement: ATPAF2 is on the minus strand). VCF-style: chr17-18028347-T-C. GRCh37 (hg19) VCF-style: chr17-17931661-T-C.
Other names: short protein forms K70R.
Identifiers: ClinVar variation 3770925 (VCV003770925.13).
Genomic context (GRCh38, chr17:18,028,347, plus strand): 5'-ACTGCAATGGCCAGGGCCTCGCTGGGGACGGTAAAGAGCTTGGCTTGGGGAGTTTTCAGC[T>C]TCCTGTGGTCCAGGTTTATCTCAAAGCCACCTTGAAAGATCAAATGAAAAACTCTCAGGG-3'
Protein context (NP_663729.1, residues 60-80): GGFEINLDHR[Lys70Arg]LKTPQAKLFT